The following is an entry in ClinVar:

NM_001851.6(COL9A1):c.1925T>A (p.Leu642Gln)

Gene: COL9A1 (collagen type IX alpha 1 chain; minus strand). Cytogenetic location: 6q13.
Variant type: single nucleotide variant.
Coding change: c.1925T>A on transcript NM_001851.6 (MANE Select); coding-DNA position 1925, T replaced by A.
Protein change: p.Leu642Gln; replaces leucine 642 with glutamine.
Molecular consequence: missense variant. On other transcripts: non-coding transcript variant (1).
Genome position (GRCh38, 1-based): chr6:70,242,663, A>T on the plus strand (T>A on the coding strand, the complement: COL9A1 is on the minus strand). VCF-style: chr6-70242663-A-T. GRCh37 (hg19) VCF-style: chr6-70952366-A-T.
Other names: c.1226T>A, p.Leu409Gln (NM_001377289.1); c.1196T>A, p.Leu399Gln (NM_001377290.1, NM_078485.4); short protein forms L642Q, L399Q, L409Q.
Identifiers: ClinVar variation 1404994 (VCV001404994.5), dbSNP rs1357867750, ClinGen allele CA364675797.

ClinVar aggregate classification (germline): Uncertain significance (1 of 4 stars; one submission).

Allele frequency attached by ClinVar (database versions not stated): gnomAD exomes below 0.00001.
gnomAD v4.1: 2 of 1,613,984 alleles (0.00012%); highest among the groups gnomAD compares: Non-Finnish European, 0.00017%; no homozygotes.

Submission:

Labcorp Genetics (formerly Invitae), Labcorp
Classification: Uncertain significance. Last evaluated: 2022-02-07. Review status: criteria provided, single submitter. Criteria: Invitae Variant Classification Sherloc (09022015). Collection method: clinical testing. Allele origin: germline.
Comment: This sequence change replaces leucine, which is neutral and non-polar, with glutamine, which is neutral and polar, at codon 642 of the COL9A1 protein (p.Leu642Gln). This variant is present in population databases (no rsID available, gnomAD 0.0009%). This variant has not been reported in the literature in individuals affected with COL9A1-related conditions. Algorithms developed to predict the effect of missense changes on protein structure and function are either unavailable or do not agree on the potential impact of this missense change (SIFT: "Tolerated"; PolyPhen-2: "Possibly Damaging"; Align-GVGD: "Class C0"). In summary, the available evidence is currently insufficient to determine the role of this variant in disease. Therefore, it has been classified as a Variant of Uncertain Significance.